The following is an entry in ClinVar:

NM_007294.4(BRCA1):c.743C>A (p.Thr248Asn)

Gene: BRCA1 (BRCA1 DNA repair associated; minus strand). Cytogenetic location: 17q21.31.
Variant type: single nucleotide variant.
Coding change: c.743C>A on transcript NM_007294.4 (MANE Select); coding-DNA position 743, C replaced by A.
Protein change: p.Thr248Asn; replaces threonine 248 with asparagine.
Molecular consequence: missense variant. On other transcripts: non-coding transcript variant (1).
Genome position (GRCh38, 1-based): chr17:43,094,788, G>T on the plus strand (C>A on the coding strand, the complement: BRCA1 is on the minus strand). VCF-style: chr17-43094788-G-T. GRCh37 (hg19) VCF-style: chr17-41246805-G-T.
Other names: c.740C>A, p.Thr247Asn (NM_001407591.1, NM_001407610.1, NM_001407860.1 and 38 more transcripts); c.743C>A, p.Thr248Asn (NM_001407593.1, NM_001407594.1, NM_001407596.1 and 54 more transcripts); c.599C>A, p.Thr200Asn (NM_001407740.1, NM_001407741.1, NM_001407742.1 and 26 more transcripts); c.602C>A, p.Thr201Asn (NM_001407750.1, NM_001407751.1, NM_001407752.1 and 43 more transcripts); c.530C>A, p.Thr177Asn (NM_001407853.1, NM_001407894.1, NM_001407895.1 and 12 more transcripts); c.542C>A, p.Thr181Asn (NM_001407862.1, NM_001408474.1, NM_001408476.1); c.620C>A, p.Thr207Asn (NM_001407863.1, NM_001407919.1, NM_001407937.1 and 34 more transcripts); c.539C>A, p.Thr180Asn (NM_001407874.1, NM_001407875.1, NM_001408475.1); and 14 more; short protein forms T248N, T201N, T137N, T177N, T180N, T181N, T203N, T222N.
Identifiers: ClinVar variation 55687 (VCV000055687.5), dbSNP rs80357062, ClinGen allele CA003846.

ClinVar aggregate classification (germline): Likely benign. Review status: criteria provided, single submitter (1 of 4 stars). 2 submissions from 2 submitters: Likely benign (1). 1 of the submissions does not count toward it. Last evaluated 2023-03-23.

Conditions:
Hereditary cancer-predisposing syndrome. Also called: Hereditary Cancer Syndrome; Hereditary neoplastic syndrome; Neoplastic Syndromes, Hereditary; Tumor predisposition. Identifiers: Orphanet 140162, MedGen C0027672, MeSH D009386, MONDO:0015356.
Breast-ovarian cancer, familial, susceptibility to, 1 (BROVCA1). Also called: BRCA1 Hereditary Breast and Ovarian Cancer; OVARIAN CANCER, SUSCEPTIBILITY TO. Identifiers: Orphanet 145, MedGen C2676676, MONDO:0011450, OMIM 604370. Disease mechanism: loss of function.

Submissions (2):

University of Washington Department of Laboratory Medicine, University of Washington
Classification: Likely benign for Hereditary cancer-predisposing syndrome. Last evaluated: 2023-03-23. Review status: criteria provided, single submitter. Criteria: Dines et al. (Genet Med. 2020). Collection method: curation. Allele origin: germline.
Comment: Missense variant in a coldspot region where missense variants are very unlikely to be pathogenic (PMID:31911673).

BRCA1 coldspot (exon 11 using historical exon numbering). Reclassification based on statistical prior probability

Breast Cancer Information Core (BIC) (BRCA1)
Classification: Uncertain significance for Breast-ovarian cancer, familial 1. Last evaluated: 2002-06-20. Review status: no assertion criteria provided. Collection method: clinical testing. Allele origin: germline. Affected: yes. Observed: 1 variant allele. Not counted in ClinVar's aggregate classification.